The following is an entry in ClinVar:

ClinVar aggregate classification (germline): Conflicting classifications of pathogenicity. Review status: criteria provided, conflicting classifications (1 of 4 stars). 2 submissions from 2 submitters: Uncertain significance (1); Benign (1). Last evaluated 2023-02-01.

Allele frequency attached by ClinVar (database versions not stated): gnomAD exomes 0.00016; ExAC 0.00048.
gnomAD v4.1: 245 of 1,524,362 alleles (0.016%); highest among the groups gnomAD compares: Non-Finnish European, 0.0096%; no homozygotes.

Submissions (2):

CeGaT Center for Human Genetics Tuebingen
Classification: Benign. Last evaluated: 2023-02-01. Review status: criteria provided, single submitter. Criteria: CeGaT Center For Human Genetics Tuebingen Variant Classification Criteria Version 2. Collection method: clinical testing. Allele origin: germline. Affected: yes. Observed: 1 variant allele.
Comment: RNF135: BS1, BS2

Ambry Genetics
Classification: Uncertain significance. Last evaluated: 2022-06-10. Review status: criteria provided, single submitter. Criteria: Ambry Variant Classification Scheme 2023. Collection method: clinical testing. Allele origin: germline.

NM_032322.4(RNF135):c.124C>T (p.Arg42Cys)

Gene: RNF135 (ring finger protein 135; plus strand). Cytogenetic location: 17q11.2.
Variant type: single nucleotide variant.
Coding change: c.124C>T on transcript NM_032322.4 (MANE Select); coding-DNA position 124, C replaced by T.
Protein change: p.Arg42Cys; replaces arginine 42 with cysteine.
Molecular consequence: missense variant.
Genome position (GRCh38, 1-based): chr17:30,971,197, C>T. VCF-style: chr17-30971197-C-T. GRCh37 (hg19) VCF-style: chr17-29298215-C-T.
Other names: c.124C>T, p.Arg42Cys (NM_001184992.2, NM_197939.2); short protein forms R42C.
Identifiers: ClinVar variation 2343688 (VCV002343688.26), dbSNP rs559143316, ClinGen allele CA8485129.